The following is an entry in ClinVar:

ClinVar aggregate classification (germline): Benign (1 of 4 stars; one submission).

Submission:

CeGaT Center for Human Genetics Tuebingen
Classification: Benign. Last evaluated: 2026-05-01. Review status: criteria provided, single submitter. Criteria: CeGaT Center For Human Genetics Tuebingen Variant Classification Criteria Version 2. Collection method: clinical testing. Allele origin: germline. Affected: yes. Observed: 1 variant allele.
Comment: ENSG00000284931: BS1, BS2; HBG2: BS1, BS2

NC_000011.10:g.5255173TTAAAG[1]

Genes: HBG2 (hemoglobin subunit gamma 2; minus strand), LOC106099065 (HBG2 recombination region; plus strand). Cytogenetic location: 11p15.4.
Variant type: Microsatellite.
Genome position: GRCh38 VCF-style: chr11-5255172-TTTAAAG-T. GRCh37 (hg19) VCF-style: chr11-5276402-TTTAAAG-T.
Identifiers: ClinVar variation 4873463 (VCV004873463.2).